The following is an entry in ClinVar:

ClinVar aggregate classification (germline): Likely pathogenic (1 of 4 stars; one submission).

Conditions:
Cardiac anomalies - developmental delay - facial dysmorphism syndrome (MRFACD). Also called: Impaired intellectual development and distinctive facial features with or without cardiac defects; MED13L Syndrome. Identifiers: Orphanet 369891, MedGen C5192431, MONDO:0014773, OMIM 616789.

Submission:

MVZ Medizinische Genetik Mainz
Classification: Likely pathogenic for Cardiac anomalies - developmental delay - facial dysmorphism syndrome. Last evaluated: 2022-08-30. Review status: criteria provided, single submitter. Criteria: UK Practice Guidelines For Variant Classification V4 01 2020. Collection method: clinical testing. Allele origin: germline. Inheritance: Autosomal dominant inheritance. Affected: yes. Observed: 1 variant allele.
Comment: PVS1,PM2_SUP

NM_015335.5(MED13L):c.2032_2035del (p.Lys678fs)

Gene: MED13L (mediator complex subunit 13L; minus strand). Cytogenetic location: 12q24.21.
Variant type: Deletion.
Coding change: c.2032_2035del on transcript NM_015335.5 (MANE Select); coding-DNA positions 2032 to 2035, 4 bases deleted (AAAC; older notation c.2032_2035delAAAC).
Protein change: p.Lys678fs; shifts the reading frame from lysine 678.
Molecular consequence: frameshift variant.
Genome position (GRCh38, 1-based): chr12:116,007,614-116,007,617, GTTT deleted on the plus strand (AAAC on the coding strand, the reverse complement: MED13L is on the minus strand); deleting any 4 consecutive bases within chr12:116,007,614-116,007,620 gives the same sequence; the c. name uses the placement nearest the transcript's 3' end. VCF-style (leftmost placement, unchanged base first): chr12-116007613-CGTTT-C. GRCh37 (hg19) VCF-style: chr12-116445418-CGTTT-C.
Other names: short protein forms K678fs.
Identifiers: ClinVar variation 3061885 (VCV003061885.1), dbSNP rs2499906615, ClinGen allele CA2740097581.